The following is an entry in ClinVar:

ClinVar aggregate classification (germline): Uncertain significance (1 of 4 stars; one submission).

Conditions:
Inborn genetic diseases. Identifiers: MedGen C0950123, MeSH D030342.

Allele frequency attached by ClinVar (database versions not stated): ExAC 0.00001.
gnomAD v4.1: 6 of 1,207,894 alleles (0.0005%); highest among the groups gnomAD compares: South Asian, 0.011%; no homozygotes.

Submission:

Ambry Genetics
Classification: Uncertain significance for Inborn genetic diseases. Last evaluated: 2019-07-25. Review status: criteria provided, single submitter. Criteria: Ambry Variant Classification Scheme 2023. Collection method: clinical testing. Allele origin: germline.
Comment: The p.T625N variant (also known as c.1874C>A), located in coding exon 5 of the NLGN4X gene, results from a C to A substitution at nucleotide position 1874. The threonine at codon 625 is replaced by asparagine, an amino acid with similar properties. This amino acid position is highly conserved in available vertebrate species. In addition, this alteration is predicted to be tolerated by in silico analysis. Since supporting evidence is limited at this time, the clinical significance of this alteration remains unclear.

NM_181332.3(NLGN4X):c.1874C>A (p.Thr625Asn)

Gene: NLGN4X (neuroligin 4 X-linked; minus strand). Cytogenetic location: Xp22.32.
Variant type: single nucleotide variant.
Coding change: c.1874C>A on transcript NM_181332.3 (MANE Select); coding-DNA position 1874, C replaced by A.
Protein change: p.Thr625Asn; replaces threonine 625 with asparagine.
Molecular consequence: missense variant.
Genome position (GRCh38, 1-based): chrX:5,893,394, G>T on the plus strand (C>A on the coding strand, the complement: NLGN4X is on the minus strand). VCF-style: chrX-5893394-G-T. GRCh37 (hg19) VCF-style: chrX-5811435-G-T.
Other names: c.1874C>A, p.Thr625Asn (NM_001282145.2, NM_001282146.2, NM_020742.4); short protein forms T625N.
Identifiers: ClinVar variation 1781745 (VCV001781745.2), dbSNP rs771217116, ClinGen allele CA10340960.